The following is an entry in ClinVar:

NM_000264.5(PTCH1):c.181G>T (p.Ala61Ser)

Gene: PTCH1 (patched 1; minus strand). Cytogenetic location: 9q22.32.
Variant type: single nucleotide variant.
Coding change: c.181G>T on transcript NM_000264.5 (MANE Select); coding-DNA position 181, G replaced by T.
Protein change: p.Ala61Ser; replaces alanine 61 with serine.
Molecular consequence: missense variant. On other transcripts: non-coding transcript variant (1), intron variant (3).
Genome position (GRCh38, 1-based): chr9:95,508,181, C>A on the plus strand (G>T on the coding strand, the complement: PTCH1 is on the minus strand). VCF-style: chr9-95508181-C-A. GRCh37 (hg19) VCF-style: chr9-98270463-C-A.
Other names: c.181G>T, p.Ala61Ser (NM_001354918.2); c.199-1582G>T (NM_001083603.3); c.4-1582G>T (NM_001083602.3, NM_001354919.2); short protein forms A61S.
Identifiers: ClinVar variation 1780745 (VCV001780745.2), dbSNP rs150069331, ClinGen allele CA374121279.

ClinVar aggregate classification (germline): Uncertain significance (1 of 4 stars; one submission).

Conditions:
Hereditary cancer-predisposing syndrome. Also called: Neoplastic Syndromes, Hereditary; Tumor predisposition; Hereditary Cancer Syndrome; Hereditary neoplastic syndrome. Identifiers: Orphanet 140162, MedGen C0027672, MeSH D009386, MONDO:0015356.

Submission:

Ambry Genetics
Classification: Uncertain significance for Hereditary cancer-predisposing syndrome. Last evaluated: 2022-06-01. Review status: criteria provided, single submitter. Criteria: Ambry Variant Classification Scheme 2023. Collection method: clinical testing. Allele origin: germline.
Comment: The p.A61S variant (also known as c.181G>T), located in coding exon 1 of the PTCH1 gene, results from a G to T substitution at nucleotide position 181. The alanine at codon 61 is replaced by serine, an amino acid with similar properties. This amino acid position is conserved. In addition, the in silico prediction for this alteration is inconclusive. Since supporting evidence is limited at this time, the clinical significance of this alteration remains unclear.